The following is an entry in ClinVar:

ClinVar aggregate classification (germline): Likely pathogenic (1 of 4 stars; one submission).

Conditions:
Dent disease. Also called: Dent's disease. Identifiers: Orphanet 1652, MedGen C0878681, MONDO:0015612.

Submissions (2):

Women's Health and Genetics/Laboratory Corporation of America, LabCorp
Classification: Likely pathogenic for Dent disease. Last evaluated: 2022-12-28. Review status: criteria provided, single submitter. Criteria: LabCorp Variant Classification Summary - May 2015. Collection method: clinical testing. Allele origin: germline.
Comment: Variant summary: OCRL c.2582-1G>C is located in a canonical splice-site and is predicted to affect mRNA splicing resulting in a significantly altered protein due to either exon skipping, shortening, or inclusion of intronic material. Several computational tools predict a significant impact on normal splicing: Four predict the variant abolishes a 3' acceptor site. However, these predictions have yet to be confirmed by functional studies. The variant was absent in 183405 control chromosomes. To our knowledge, no occurrence of c.2582-1G>C in individuals affected with Dent Disease and no experimental evidence demonstrating its impact on protein function have been reported. No clinical diagnostic laboratories have submitted clinical-significance assessments for this variant to ClinVar after 2014. Other variants affecting this splice-acceptor site are cited in ClinVar and HGMD as pathogenic and disease-associated, and have been reported in patients. Based on the evidence outlined above, the variant was classified as likely pathogenic.

Dr. Peter K. Rogan Lab, Western University
No classification provided (evidence only). Condition: Thyroid cancer, nonmedullary, 1. Review status: no classification provided. Collection method: in vitro. Allele origin: not applicable. Functional consequence: retained intron. Not counted in ClinVar's aggregate classification.

Literature cited by the submitters: PubMed 21031565 (cited by Women's Health and Genetics/Laboratory Corporation of America, LabCorp).

NM_000276.4(OCRL):c.2582-1G>C

Gene: OCRL (OCRL inositol polyphosphate-5-phosphatase; plus strand). Cytogenetic location: Xq26.1.
Variant type: single nucleotide variant.
Coding change: c.2582-1G>C on transcript NM_000276.4 (MANE Select); the canonical splice acceptor site of the intron before coding-DNA position 2582, G replaced by C.
Molecular consequence: splice acceptor variant.
Genome position (GRCh38, 1-based): chrX:129,590,145, G>C. VCF-style: chrX-129590145-G-C. GRCh37 (hg19) VCF-style: chrX-128724122-G-C.
Other names: NC_000023.10:g.128724122G>C; c.2585-1G>C (NM_001318784.2); c.2558-1G>C (NM_001587.4).
Identifiers: ClinVar variation 1878394 (VCV001878394.2), dbSNP rs398123289, ClinGen allele CA414632790.
Genomic context (GRCh38, chrX:129,590,145, plus strand): 5'-TGAGGTTTTGCTTAGGTTATGTCTGACAGAAGTTTCCGCTTGTCTTTCTCTCGTCTTGTA[G>C]CTACTCTCTTCACTAGTCTTCTCCTGAGGCCTCCACCCAACCTTATGGCAAGACAGACTC-3'